The following is an entry in ClinVar:

ClinVar aggregate classification (germline): Uncertain significance (1 of 4 stars; one submission).

Conditions:
Cardiovascular phenotype. Identifiers: MedGen CN230736.

gnomAD v4.1: 1 of 1,614,220 alleles (0.000062%); highest among the groups gnomAD compares: Non-Finnish European, 0.000085%; no homozygotes.

Submission:

Ambry Genetics
Classification: Uncertain significance for Cardiovascular phenotype. Last evaluated: 2024-04-09. Review status: criteria provided, single submitter. Criteria: Ambry Variant Classification Scheme 2023. Collection method: clinical testing. Allele origin: germline.
Comment: The p.I170T variant (also known as c.509T>C), located in coding exon 4 of the ABCG8 gene, results from a T to C substitution at nucleotide position 509. The isoleucine at codon 170 is replaced by threonine, an amino acid with similar properties. This amino acid position is conserved. In addition, this alteration is predicted to be tolerated by in silico analysis. Based on the available evidence, the clinical significance of this variant remains unclear.

NM_022437.3(ABCG8):c.509T>C (p.Ile170Thr)

Gene: ABCG8 (ATP binding cassette subfamily G member 8; plus strand). Cytogenetic location: 2p21.
Variant type: single nucleotide variant.
Coding change: c.509T>C on transcript NM_022437.3 (MANE Select); coding-DNA position 509, T replaced by C.
Protein change: p.Ile170Thr; replaces isoleucine 170 with threonine.
Molecular consequence: missense variant.
Genome position (GRCh38, 1-based): chr2:43,851,770, T>C. VCF-style: chr2-43851770-T-C. GRCh37 (hg19) VCF-style: chr2-44078909-T-C.
Other names: c.509T>C, p.Ile170Thr (NM_001357321.2); short protein forms I170T.
Identifiers: ClinVar variation 3312872 (VCV003312872.1).